The following is an entry in ClinVar:

NM_004793.4(LONP1):c.1896+3G>A

Gene: LONP1 (lon peptidase 1, mitochondrial; minus strand). Cytogenetic location: 19p13.3.
Variant type: single nucleotide variant.
Coding change: c.1896+3G>A on transcript NM_004793.4 (MANE Select); 3 bases into the intron after coding-DNA position 1896, G replaced by A.
Molecular consequence: intron variant.
Genome position (GRCh38, 1-based): chr19:5,696,246, C>T on the plus strand (G>A on the coding strand, the complement: LONP1 is on the minus strand). VCF-style: chr19-5696246-C-T. GRCh37 (hg19) VCF-style: chr19-5696257-C-T.
Other names: c.1308+3G>A (NM_001276480.1); c.1704+3G>A (NM_001276479.2).
Identifiers: ClinVar variation 713401 (VCV000713401.12), dbSNP rs371793819, ClinGen allele CA9114442.

ClinVar aggregate classification (germline): Benign. Review status: criteria provided, single submitter (1 of 4 stars). 2 submissions from 2 submitters: Benign (1). 1 of the submissions does not count toward it. Last evaluated 2025-11-01.

Conditions:
LONP1-related disorder. Also called: LONP1-related condition; LONP1-related disorders.

Allele frequency attached by ClinVar (database versions not stated): gnomAD 0.00080; TOPMed 0.00088; ESP Exome Variant Server 0.00123; 1000 Genomes Project 0.00140; 1000 Genomes Project 30x 0.00156.
gnomAD v4.1: 242 of 1,613,200 alleles (0.015%); highest among the groups gnomAD compares: African/African-American, 0.29%; 1 homozygote.

Submissions (2):

Labcorp Genetics (formerly Invitae), Labcorp
Classification: Benign. Last evaluated: 2025-11-01. Review status: criteria provided, single submitter. Criteria: Invitae Variant Classification Sherloc (09022015). Collection method: clinical testing. Allele origin: germline.

PreventionGenetics, part of Exact Sciences
Classification: Likely benign for LONP1-related condition. Last evaluated: 2023-04-18. Review status: no assertion criteria provided. Collection method: clinical testing. Allele origin: germline. Not counted in ClinVar's aggregate classification.
Comment: This variant is classified as likely benign based on ACMG/AMP sequence variant interpretation guidelines (Richards et al. 2015 PMID: 25741868, with internal and published modifications).